The following is an entry in ClinVar:

NM_002528.7(NTHL1):c.685+4A>G

Gene: NTHL1 (nth like DNA glycosylase 1; minus strand). Cytogenetic location: 16p13.3.
Variant type: single nucleotide variant.
Coding change: c.685+4A>G on transcript NM_002528.7 (MANE Select); 4 bases into the intron after coding-DNA position 685, A replaced by G.
Molecular consequence: intron variant.
Genome position (GRCh38, 1-based): chr16:2,043,563, T>C on the plus strand (A>G on the coding strand, the complement: NTHL1 is on the minus strand). VCF-style: chr16-2043563-T-C. GRCh37 (hg19) VCF-style: chr16-2093564-T-C.
Other names: c.355+4A>G (NM_001318194.2); c.514+4A>G (NM_001318193.2).
Identifiers: ClinVar variation 2773069 (VCV002773069.3), dbSNP rs2548314947, ClinGen allele CA2697549536.
Genomic context (GRCh38, chr16:2,043,563, plus strand): 5'-AAGGATGTGGGGAATCCCAAGAGCAGCCAGTGGGCTGGAGCCAGCCCCGCCCTCCTCTAC[T>C]CACCAATGCCTGACACAGTGCCCCAGGCCACAGCCATAGCCAGGTGTGCCATCTTGGGCC-3'

ClinVar aggregate classification (germline): Uncertain significance (1 of 4 stars; one submission).

Submission:

Labcorp Genetics (formerly Invitae), Labcorp
Classification: Uncertain significance. Last evaluated: 2023-06-09. Review status: criteria provided, single submitter. Criteria: Invitae Variant Classification Sherloc (09022015). Collection method: clinical testing. Allele origin: germline.
Comment: This sequence change falls in intron 4 of the NTHL1 gene. It does not directly change the encoded amino acid sequence of the NTHL1 protein. It affects a nucleotide within the consensus splice site. This variant is not present in population databases (gnomAD no frequency). This variant has not been reported in the literature in individuals affected with NTHL1-related conditions. Variants that disrupt the consensus splice site are a relatively common cause of aberrant splicing (PMID: 17576681, 9536098). Algorithms developed to predict the effect of sequence changes on RNA splicing suggest that this variant may disrupt the consensus splice site. In summary, the available evidence is currently insufficient to determine the role of this variant in disease. Therefore, it has been classified as a Variant of Uncertain Significance.

Literature cited by the submitters: PubMed 17576681; PubMed 9536098.